The following is an entry in ClinVar:

ClinVar aggregate classification (germline): Uncertain significance. Review status: criteria provided, multiple submitters, no conflicts (2 of 4 stars). 2 submissions from 2 submitters: Uncertain significance (2). Last evaluated 2024-11-14.

Conditions:
Hereditary cancer-predisposing syndrome. Also called: Neoplastic Syndromes, Hereditary; Hereditary neoplastic syndrome; Tumor predisposition; Hereditary Cancer Syndrome. Identifiers: Orphanet 140162, MedGen C0027672, MeSH D009386, MONDO:0015356.
Tuberous sclerosis 2 (TSC2). Identifiers: Orphanet 805, MedGen C1860707, MONDO:0013199, OMIM 613254.

Allele frequency attached by ClinVar (database versions not stated): TOPMed below 0.00001.

Submissions (2):

Ambry Genetics
Classification: Uncertain significance for Hereditary cancer-predisposing syndrome. Last evaluated: 2024-11-14. Review status: criteria provided, single submitter. Criteria: Ambry Variant Classification Scheme 2023. Collection method: clinical testing. Allele origin: germline.
Comment: The p.P1781A variant (also known as c.5341C>G), located in coding exon 41 of the TSC2 gene, results from a C to G substitution at nucleotide position 5341. The proline at codon 1781 is replaced by alanine, an amino acid with highly similar properties. This amino acid position is conserved. In addition, the in silico prediction for this alteration is inconclusive. Based on the available evidence, the clinical significance of this variant remains unclear.

Labcorp Genetics (formerly Invitae), Labcorp
Classification: Uncertain significance for Tuberous sclerosis 2. Last evaluated: 2020-05-04. Review status: criteria provided, single submitter. Criteria: Invitae Variant Classification Sherloc (09022015). Collection method: clinical testing. Allele origin: germline.
Comment: In summary, the available evidence is currently insufficient to determine the role of this variant in disease. Therefore, it has been classified as a Variant of Uncertain Significance. Algorithms developed to predict the effect of missense changes on protein structure and function (SIFT, PolyPhen-2, Align-GVGD) all suggest that this variant is likely to be tolerated, but these predictions have not been confirmed by published functional studies and their clinical significance is uncertain. This variant has not been reported in the literature in individuals with TSC2-related disease. This variant is not present in population databases (ExAC no frequency). This sequence change replaces proline with alanine at codon 1781 of the TSC2 protein (p.Pro1781Ala). The proline residue is moderately conserved and there is a small physicochemical difference between proline and alanine.

NM_000548.5(TSC2):c.5341C>G (p.Pro1781Ala)

Gene: TSC2 (TSC complex subunit 2; plus strand). Cytogenetic location: 16p13.3.
Variant type: single nucleotide variant.
Coding change: c.5341C>G on transcript NM_000548.5 (MANE Select); coding-DNA position 5341, C replaced by G.
Protein change: p.Pro1781Ala; replaces proline 1781 with alanine.
Molecular consequence: missense variant.
Genome position (GRCh38, 1-based): chr16:2,088,527, C>G. VCF-style: chr16-2088527-C-G. GRCh37 (hg19) VCF-style: chr16-2138528-C-G.
Other names: c.5140C>G, p.Pro1714Ala (NM_001077183.3); c.5272C>G, p.Pro1758Ala (NM_001114382.3); c.5032C>G, p.Pro1678Ala (NM_001318827.2); c.4996C>G, p.Pro1666Ala (NM_001318829.2); c.4609C>G, p.Pro1537Ala (NM_001318831.2); c.5173C>G, p.Pro1725Ala (NM_001318832.2); c.5143C>G, p.Pro1715Ala (NM_001363528.2); c.5209C>G, p.Pro1737Ala (NM_001370404.1); and 2 more; short protein forms P1781A, P1678A, P1734A, P1758A, P1537A, P1737A, P1714A, P1715A.
Identifiers: ClinVar variation 535864 (VCV000535864.11), dbSNP rs1555441410, ClinGen allele CA394315679.